The following is an entry in ClinVar:

NM_001042646.3(TRAK1):c.1997A>C (p.Asn666Thr)

Gene: TRAK1 (trafficking kinesin protein 1; plus strand). Cytogenetic location: 3p22.1.
Variant type: single nucleotide variant.
Coding change: c.1997A>C on transcript NM_001042646.3 (MANE Select); coding-DNA position 1997, A replaced by C.
Protein change: p.Asn666Thr; replaces asparagine 666 with threonine.
Molecular consequence: missense variant. On other transcripts: non-coding transcript variant (1).
Genome position (GRCh38, 1-based): chr3:42,219,527, A>C. VCF-style: chr3-42219527-A-C. GRCh37 (hg19) VCF-style: chr3-42261019-A-C.
Other names: c.1622A>C, p.Asn541Thr (NM_001349245.1); c.1934A>C, p.Asn645Thr (NM_001349246.2); c.1997A>C, p.Asn666Thr (NM_001349247.2); c.1712A>C, p.Asn571Thr (NM_001349248.1); c.1775A>C, p.Asn592Thr (NM_001349249.1); c.1823A>C, p.Asn608Thr (NM_001410741.1); short protein forms N571T, N645T, N666T, N541T, N608T, N592T.
Identifiers: ClinVar variation 2228042 (VCV002228042.2), dbSNP rs753076354, ClinGen allele CA2333747.
Genomic context (GRCh38, chr3:42,219,527, plus strand): 5'-GAATATGTTTTGTTCCTCCCAATTTAGCGCACCATCCTGGGAAGTGCATGTCTCAGACCA[A>C]CTCCACCTTCACCTTCACCACCTGTCGCATCCTGCATCCTTCAGATGAGCTCACTCGGGT-3'
Protein context (NP_001036111.1, residues 656-676): HHPGKCMSQT[Asn666Thr]STFTFTTCRI

ClinVar aggregate classification (germline): Uncertain significance (1 of 4 stars; one submission).

Conditions:
Inborn genetic diseases. Identifiers: MedGen C0950123, MeSH D030342.

gnomAD v4.1: 2 of 1,611,850 alleles (0.00012%); highest among the groups gnomAD compares: South Asian, 0.0011%; no homozygotes.

Submission:

Ambry Genetics
Classification: Uncertain significance for Inborn genetic diseases. Last evaluated: 2020-11-19. Review status: criteria provided, single submitter. Criteria: Ambry Variant Classification Scheme 2023. Collection method: clinical testing. Allele origin: germline.
Comment: The c.1997A>C (p.N666T) alteration is located in exon 15 (coding exon 15) of the TRAK1 gene. This alteration results from a A to C substitution at nucleotide position 1997, causing the asparagine (N) at amino acid position 666 to be replaced by a threonine (T). The p.N666T alteration is predicted to be tolerated by in silico analysis. Based on insufficient or conflicting evidence, the clinical significance of this alteration remains unclear.